The following is an entry in ClinVar:

NM_001040142.2(SCN2A):c.2823dup (p.Glu942fs)

Gene: SCN2A (sodium voltage-gated channel alpha subunit 2; plus strand). Cytogenetic location: 2q24.3.
Variant type: Duplication.
Coding change: c.2823dup on transcript NM_001040142.2 (MANE Select); coding-DNA position 2823, one base duplicated (A; older notation c.2823dupA).
Protein change: p.Glu942fs; shifts the reading frame from glutamic acid 942.
Molecular consequence: frameshift variant.
Genome position (GRCh38, 1-based): chr2:165,344,815, A duplicated. VCF-style (leftmost placement, unchanged base first): chr2-165344814-G-GA. GRCh37 (hg19) VCF-style: chr2-166201324-G-GA.
Other names: c.2823dup, p.Glu942fs (NM_001040143.2, NM_001371246.1, NM_001371247.1 and 1 more transcripts); c.2823dupA (NM_021007.2); short protein forms E942fs.
Identifiers: ClinVar variation 423628 (VCV000423628.2), dbSNP rs1553579500, ClinGen allele CA16617266.

ClinVar aggregate classification (germline): Pathogenic (1 of 4 stars; one submission).

Submission:

GeneDx
Classification: Pathogenic. Last evaluated: 2017-10-13. Review status: criteria provided, single submitter. Criteria: GeneDx Variant Classification (06012015). Collection method: clinical testing. Allele origin: germline. Affected: yes.
Comment: The c.2823dupA variant in the SCN2A gene has not been reported previously as a pathogenic variant nor as a benign variant, to our knowledge. The c.2823dupA variant causes a frameshift starting with codon Glutamic Acid 942, changes this amino acid to an Arginine residue, and creates a premature Stop codon at position 48 of the new reading frame, denoted p.Glu942ArgfsX48. This variant is predicted to cause loss of normal protein function either through protein truncation or nonsense-mediated mRNA decay. The c.2823dupA variant is not observed in large population cohorts (Lek et al., 2016; 1000 Genomes Consortium et al., 2015; Exome Variant Server). We interpret c.2823dupA as a pathogenic variant.